The following is an entry in ClinVar:

ClinVar aggregate classification (germline): Benign/Likely benign. Review status: criteria provided, multiple submitters, no conflicts (2 of 4 stars). 3 submissions from 3 submitters: Benign (1); Likely benign (2). Last evaluated 2026-06-03.

Conditions:
Hereditary cancer-predisposing syndrome. Also called: Neoplastic Syndromes, Hereditary; Hereditary Cancer Syndrome; Hereditary neoplastic syndrome; Tumor predisposition. Identifiers: Orphanet 140162, MedGen C0027672, MeSH D009386, MONDO:0015356.
Gastrointestinal stromal tumor. Also called: Gastrointestinal stroma tumor; Gastrointestinal stromal tumor, somatic. Identifiers: Orphanet 44890, MedGen C0238198, MeSH D046152, MONDO:0011719, OMIM 606764, HP:0100723.

Allele frequency attached by ClinVar (database versions not stated): TOPMed 0.00001.
gnomAD v4.1: 11 of 1,614,044 alleles (0.00068%); highest among the groups gnomAD compares: Non-Finnish European, 0.00093%; no homozygotes.

Submissions (3):

Myriad Genetics, Inc.
Classification: Benign for Gastrointestinal stromal tumor. Last evaluated: 2026-06-03. Review status: criteria provided, single submitter. Criteria: Myriad Autosomal Dominant, Autosomal Recessive and X-Linked Classification Criteria (2023). Collection method: clinical testing. Allele origin: unknown.
Comment: This variant is considered benign. This variant is a silent/synonymous amino acid change and it is not expected to impact splicing.

Labcorp Genetics (formerly Invitae), Labcorp
Classification: Likely benign for Gastrointestinal stromal tumor. Last evaluated: 2025-04-14. Review status: criteria provided, single submitter. Criteria: Invitae Variant Classification Sherloc (09022015). Collection method: clinical testing. Allele origin: germline.

Ambry Genetics
Classification: Likely benign for Hereditary cancer-predisposing syndrome. Last evaluated: 2023-11-09. Review status: criteria provided, single submitter. Criteria: Ambry Variant Classification Scheme 2023. Collection method: clinical testing. Allele origin: germline.

NM_000222.3(KIT):c.516C>T (p.Ile172=)

Gene: KIT (KIT proto-oncogene, receptor tyrosine kinase; plus strand). Cytogenetic location: 4q12.
Variant type: single nucleotide variant.
Coding change: c.516C>T on transcript NM_000222.3 (MANE Select); coding-DNA position 516, C replaced by T.
Protein change: p.Ile172=; no amino-acid change (isoleucine 172 retained).
Molecular consequence: synonymous variant.
Genome position (GRCh38, 1-based): chr4:54,698,462, C>T. VCF-style: chr4-54698462-C-T. GRCh37 (hg19) VCF-style: chr4-55564628-C-T.
Other names: c.516C>T, p.Ile172= (NM_001093772.2, NM_001385284.1, NM_001385285.1 and 4 more transcripts).
Identifiers: ClinVar variation 415787 (VCV000415787.21), dbSNP rs1060504656, ClinGen allele CA16611487.
Genomic context (GRCh38, chr4:54,698,462, plus strand): 5'-GGGGAAGCCTCTTCCCAAGGACTTGAGGTTTATTCCTGACCCCAAGGCGGGCATCATGAT[C>T]AAAAGTGTGAAACGCGCCTACCATCGGCTCTGTCTGCATTGTTCTGTGGACCAGGAGGGC-3'
Protein context (NP_000213.1, residues 162-182): FIPDPKAGIM[Ile172=]KSVKRAYHRL